The following is an entry in ClinVar:

NM_004415.4(DSP):c.7112A>C (p.Gln2371Pro)

Gene: DSP (desmoplakin; plus strand). Cytogenetic location: 6p24.3.
Variant type: single nucleotide variant.
Coding change: c.7112A>C on transcript NM_004415.4 (MANE Select); coding-DNA position 7112, A replaced by C.
Protein change: p.Gln2371Pro; replaces glutamine 2371 with proline.
Molecular consequence: missense variant.
Genome position (GRCh38, 1-based): chr6:7,584,374, A>C. VCF-style: chr6-7584374-A-C. GRCh37 (hg19) VCF-style: chr6-7584607-A-C.
Other names: c.5315A>C, p.Gln1772Pro (NM_001008844.3); c.5783A>C, p.Gln1928Pro (NM_001319034.2); short protein forms Q1772P, Q1928P, Q2371P.
Identifiers: ClinVar variation 3759700 (VCV003759700.2).

ClinVar aggregate classification (germline): Uncertain significance (1 of 4 stars; one submission).

Conditions:
Arrhythmogenic cardiomyopathy with wooly hair and keratoderma. Also called: PALMOPLANTAR KERATODERMA WITH LEFT VENTRICULAR CARDIOMYOPATHY AND WOOLLY HAIR; Carvajal syndrome; Dilated cardiomyopathy with woolly hair and keratoderma; Arrhythmogenic cardiomyopathy with woolly hair and keratoderma. Identifiers: Orphanet 65282, MedGen C1854063, MONDO:0011581, OMIM 605676.
Arrhythmogenic right ventricular dysplasia 8 (ARVD8). Also called: Arrhythmogenic Right Ventricular Dysplasia/Cardiomyopathy 8; ARRHYTHMOGENIC RIGHT VENTRICULAR DYSPLASIA, FAMILIAL, 8; ARRHYTHMOGENIC RIGHT VENTRICULAR CARDIOMYOPATHY 8. Identifiers: MedGen C1843896, MONDO:0011831, OMIM 607450.

Submission:

Labcorp Genetics (formerly Invitae), Labcorp
Classification: Uncertain significance for Arrhythmogenic cardiomyopathy with wooly hair and keratoderma; Arrhythmogenic right ventricular dysplasia 8. Last evaluated: 2025-07-18. Review status: criteria provided, single submitter. Criteria: Invitae Variant Classification Sherloc (09022015). Collection method: clinical testing. Allele origin: germline.
Comment: This sequence change replaces glutamine, which is neutral and polar, with proline, which is neutral and non-polar, at codon 2371 of the DSP protein (p.Gln2371Pro). This variant is not present in population databases (gnomAD no frequency). This variant has not been reported in the literature in individuals affected with DSP-related conditions. ClinVar contains an entry for this variant (Variation ID: 3759700). An algorithm developed to predict the effect of missense changes on protein structure and function (PolyPhen-2) suggests that this variant is likely to be disruptive. In summary, the available evidence is currently insufficient to determine the role of this variant in disease. Therefore, it has been classified as a Variant of Uncertain Significance.